The following is an entry in ClinVar:

NM_006231.4(POLE):c.6624G>C (p.Gln2208His)

Gene: POLE (DNA polymerase epsilon, catalytic subunit; minus strand). Cytogenetic location: 12q24.33.
Variant type: single nucleotide variant.
Coding change: c.6624G>C on transcript NM_006231.4 (MANE Select); coding-DNA position 6624, G replaced by C.
Protein change: p.Gln2208His; replaces glutamine 2208 with histidine.
Molecular consequence: missense variant.
Genome position (GRCh38, 1-based): chr12:132,625,678, C>G on the plus strand (G>C on the coding strand, the complement: POLE is on the minus strand). VCF-style: chr12-132625678-C-G. GRCh37 (hg19) VCF-style: chr12-133202264-C-G.
Other names: short protein forms Q2208H.
Identifiers: ClinVar variation 1054961 (VCV001054961.9), dbSNP rs2138427582, ClinGen allele CA387366527.
Genomic context (GRCh38, chr12:132,625,678, plus strand): 5'-CACGGGCAGGCGGCATGCACGACTCACCAGGTCCTGCAGGGTGAAGGCCATCAGCTTCTT[C>G]TGTAGAACTTCCACCAGCGTCATCTCGATGGCAGAGGAGTCGTAGGGCGCCTGACAGTTG-3'
Protein context (NP_006222.2, residues 2198-2218): AIEMTLVEVL[Gln2208His]KKLMAFTLQD

ClinVar aggregate classification (germline): Uncertain significance (1 of 4 stars; one submission).

Submission:

Labcorp Genetics (formerly Invitae), Labcorp
Classification: Uncertain significance. Last evaluated: 2020-01-20. Review status: criteria provided, single submitter. Criteria: Invitae Variant Classification Sherloc (09022015). Collection method: clinical testing. Allele origin: germline.
Comment: In summary, the available evidence is currently insufficient to determine the role of this variant in disease. Therefore, it has been classified as a Variant of Uncertain Significance. Algorithms developed to predict the effect of missense changes on protein structure and function output the following: SIFT: "Deleterious"; PolyPhen-2: "Benign"; Align-GVGD: "Class C0". The histidine amino acid residue is found in multiple mammalian species, suggesting that this missense change does not adversely affect protein function. These predictions have not been confirmed by published functional studies and their clinical significance is uncertain. This variant has not been reported in the literature in individuals with POLE-related conditions. This variant is not present in population databases (ExAC no frequency). This sequence change replaces glutamine with histidine at codon 2208 of the POLE protein (p.Gln2208His). The glutamine residue is moderately conserved and there is a small physicochemical difference between glutamine and histidine.